The following is an entry in ClinVar:

ClinVar aggregate classification (germline): Benign. Review status: criteria provided, multiple submitters, no conflicts (2 of 4 stars). 3 submissions from 3 submitters: Benign (2). 1 of the submissions does not count toward it. Last evaluated 2023-11-01.

Conditions:
GLI1-related disorder. Also called: GLI1-related condition.

Allele frequency attached by ClinVar (database versions not stated): gnomAD 0.00002 and 0.00038; TOPMed 0.00004; 1000 Genomes Project 30x 0.00281; 1000 Genomes Project 0.00319.
gnomAD v4.1: 1,316 of 1,613,506 alleles (0.082%); highest among the groups gnomAD compares: South Asian, 1.3%; 25 homozygotes.

Submissions (3):

CeGaT Center for Human Genetics Tuebingen
Classification: Benign. Last evaluated: 2023-11-01. Review status: criteria provided, single submitter. Criteria: CeGaT Center For Human Genetics Tuebingen Variant Classification Criteria Version 2. Collection method: clinical testing. Allele origin: germline. Affected: yes. Observed: 1 variant allele.
Comment: GLI1: BP4, BS1, BS2

Labcorp Genetics (formerly Invitae), Labcorp
Classification: Benign. Last evaluated: 2017-12-29. Review status: criteria provided, single submitter. Criteria: Invitae Variant Classification Sherloc (09022015). Collection method: clinical testing. Allele origin: germline.

PreventionGenetics, part of Exact Sciences
Classification: Benign for GLI1-related condition. Last evaluated: 2019-03-01. Review status: no assertion criteria provided. Collection method: clinical testing. Allele origin: germline. Not counted in ClinVar's aggregate classification.
Comment: This variant is classified as benign based on ACMG/AMP sequence variant interpretation guidelines (Richards et al. 2015 PMID: 25741868, with internal and published modifications).

NM_005269.3(GLI1):c.503C>G (p.Pro168Arg)

Gene: GLI1 (GLI family zinc finger 1; plus strand). Cytogenetic location: 12q13.3.
Variant type: single nucleotide variant.
Coding change: c.503C>G on transcript NM_005269.3 (MANE Select); coding-DNA position 503, C replaced by G.
Protein change: p.Pro168Arg; replaces proline 168 with arginine.
Molecular consequence: missense variant.
Genome position (GRCh38, 1-based): chr12:57,465,224, C>G. VCF-style: chr12-57465224-C-G. GRCh37 (hg19) VCF-style: chr12-57859007-C-G.
Other names: c.119C>G, p.Pro40Arg (NM_001160045.2); c.380C>G, p.Pro127Arg (NM_001167609.2); short protein forms P40R, P127R, P168R.
Identifiers: ClinVar variation 730133 (VCV000730133.27), dbSNP rs542007910, ClinGen allele CA6648488.
Genomic context (GRCh38, chr12:57,465,224, plus strand): 5'-CCTTTGGGGTCCAGCCTTGTGGTCCCCATGACTCTGCCCGGGGTGGGATGATCCCACATC[C>G]TCAGTCCCGGGGACCCTTCCCAACTTGCCAGGTGAGAGTCCCCATATTGCTACCTGATTT-3'
Protein context (NP_005260.1, residues 158-178): DSARGGMIPH[Pro168Arg]QSRGPFPTCQ